The following is an entry in ClinVar:

NM_018026.4(PACS1):c.2146G>A (p.Gly716Arg)

Gene: PACS1 (phosphofurin acidic cluster sorting protein 1; plus strand). Cytogenetic location: 11q13.2.
Variant type: single nucleotide variant.
Coding change: c.2146G>A on transcript NM_018026.4 (MANE Select); coding-DNA position 2146, G replaced by A.
Protein change: p.Gly716Arg; replaces glycine 716 with arginine.
Molecular consequence: missense variant.
Genome position (GRCh38, 1-based): chr11:66,235,342, G>A. VCF-style: chr11-66235342-G-A. GRCh37 (hg19) VCF-style: chr11-66002813-G-A.
Other names: short protein forms G716R.
Identifiers: ClinVar variation 1339466 (VCV001339466.4), dbSNP rs762496747, ClinGen allele CA6116794.

ClinVar aggregate classification (germline): Uncertain significance. Review status: criteria provided, multiple submitters, no conflicts (2 of 4 stars). 2 submissions from 2 submitters: Uncertain significance (2). Last evaluated 2025-01-23.

Conditions:
Hypospadias. Also called: hypospadia. Identifiers: MedGen C0848558, MONDO:0005345, HP:0000047.
Schuurs-Hoeijmakers syndrome. Also called: PACS1-Related Neurodevelopmental Disorder. Identifiers: Orphanet 329224, MedGen C3554343, MONDO:0014006, OMIM 615009.

Allele frequency attached by ClinVar (database versions not stated): gnomAD exomes below 0.00001; TOPMed 0.00001; ExAC 0.00001; gnomAD 0.00001.
gnomAD v4.1: 16 of 1,613,924 alleles (0.00099%); highest among the groups gnomAD compares: South Asian, 0.0044%; no homozygotes.

Submissions (2):

Labcorp Genetics (formerly Invitae), Labcorp
Classification: Uncertain significance for Schuurs-Hoeijmakers syndrome. Last evaluated: 2025-01-23. Review status: criteria provided, single submitter. Criteria: Invitae Variant Classification Sherloc (09022015). Collection method: clinical testing. Allele origin: germline.
Comment: This sequence change replaces glycine, which is neutral and non-polar, with arginine, which is basic and polar, at codon 716 of the PACS1 protein (p.Gly716Arg). This variant is present in population databases (rs762496747, gnomAD 0.003%). This variant has not been reported in the literature in individuals affected with PACS1-related conditions. ClinVar contains an entry for this variant (Variation ID: 1339466). Invitae Evidence Modeling of protein sequence and biophysical properties (such as structural, functional, and spatial information, amino acid conservation, physicochemical variation, residue mobility, and thermodynamic stability) indicates that this missense variant is expected to disrupt PACS1 protein function with a positive predictive value of 80%. In summary, the available evidence is currently insufficient to determine the role of this variant in disease. Therefore, it has been classified as a Variant of Uncertain Significance.

Matsson lab, Uppsala university
Classification: Uncertain significance for Hypospadias. Last evaluated: 2022-02-06. Review status: criteria provided, single submitter. Criteria: ACMG Guidelines, 2015. Collection method: research. Allele origin: germline. Affected: yes.